The following is an entry in ClinVar:

NM_000352.6(ABCC8):c.2694G>T (p.Trp898Cys)

Gene: ABCC8 (ATP binding cassette subfamily C member 8; minus strand). Cytogenetic location: 11p15.1.
Variant type: single nucleotide variant.
Coding change: c.2694G>T on transcript NM_000352.6 (MANE Select); coding-DNA position 2694, G replaced by T.
Protein change: p.Trp898Cys; replaces tryptophan 898 with cysteine.
Molecular consequence: missense variant. On other transcripts: non-coding transcript variant (1).
Genome position (GRCh38, 1-based): chr11:17,410,516, C>A on the plus strand (G>T on the coding strand, the complement: ABCC8 is on the minus strand). VCF-style: chr11-17410516-C-A. GRCh37 (hg19) VCF-style: chr11-17432063-C-A.
Other names: c.2697G>T, p.Trp899Cys (NM_001287174.3); c.2760G>T, p.Trp920Cys (NM_001351295.2); c.2694G>T, p.Trp898Cys (NM_001351296.2); c.2691G>T, p.Trp897Cys (NM_001351297.2); short protein forms W897C, W920C, W898C, W899C.
Identifiers: ClinVar variation 5003642 (VCV005003642.1).
Genomic context (GRCh38, chr11:17,410,516, plus strand): 5'-GATGCCTGACAGCCTCCCCAGCCCTGCCCCCTATAGCCTGACCCCCTTGTTCCCCCTCAC[C>A]CAGTCTGCATGGGGCAGGTACTGTAGCTTGTGGGTCACTAAGACCACTGTCCTCTTGTCG-3'
Protein context (NP_000343.2, residues 888-908): HKLQYLPHAD[Trp898Cys]IIAMKDGTIQ

ClinVar aggregate classification (germline): Uncertain significance (1 of 4 stars; one submission).

Conditions:
Hyperinsulinemic hypoglycemia, familial, 1 (HHF1). Also called: Persistent hyperinsulinemic hypoglycemia of infancy; NESIDIOBLASTOSIS OF PANCREAS; HYPERINSULINISM, FAMILIAL, WITH PANCREATIC NESIDIOBLASTOSIS; HYPOGLYCEMIA, HYPERINSULINEMIC, OF INFANCY; Persistent Hyperinsulinemia Hypoglycemia of Infancy. Identifiers: Orphanet 276575, Orphanet 276598, MedGen C2931832, MONDO:0009734, OMIM 256450.

Submission:

Myriad Genetics, Inc.
Classification: Uncertain significance for Hyperinsulinemic hypoglycemia, familial, 1. Last evaluated: 2026-01-26. Review status: criteria provided, single submitter. Criteria: Myriad Autosomal Dominant, Autosomal Recessive and X-Linked Classification Criteria (2023). Collection method: clinical testing. Allele origin: unknown.
Comment: NM_000352.3(ABCC8):c.2694G>T(W898C) is a missense variant classified as a variant of uncertain significance in the context of familial hyperinsulinism, ABCC8-related. W898C has not been observed in cases with relevant disease. Relevant functional assessments of this variant are not available in the literature. W898C has not been observed in referenced population frequency databases. In summary, there is insufficient evidence to classify NM_000352.3(ABCC8):c.2694G>T(W898C) as pathogenic or benign. Please note: this variant was assessed in the context of healthy population screening.